The following is an entry in ClinVar:

ClinVar aggregate classification (germline): Conflicting classifications of pathogenicity. Review status: criteria provided, conflicting classifications (1 of 4 stars). 7 submissions from 7 submitters: Uncertain significance (1); Benign (1); Likely benign (5). Last evaluated 2026-01-19.

Conditions:
Cardiomyopathy (CMYO). Also called: Cardiomyopathies. Identifiers: Orphanet 167848, MedGen C0878544, MONDO:0004994, HP:0001638. Inheritance: Various modes of inheritance.
Cardiovascular phenotype. Identifiers: MedGen CN230736.
Catecholaminergic polymorphic ventricular tachycardia 1. Also called: RYR2-Related Catecholaminergic Polymorphic Ventricular Tachycardia; VENTRICULAR TACHYCARDIA, STRESS-INDUCED POLYMORPHIC 1; VENTRICULAR TACHYCARDIA, CATECHOLAMINERGIC POLYMORPHIC, 1, WITH OR WITHOUT ATRIAL DYSFUNCTION AND/OR DILATED CARDIOMYOPATHY. Identifiers: Orphanet 3286, MedGen C1631597, MONDO:0011484, OMIM 604772.

Allele frequency attached by ClinVar (database versions not stated): gnomAD 0.00001; TOPMed 0.00002; ExAC 0.00005; gnomAD exomes 0.00005.
gnomAD v4.1: 54 of 1,571,630 alleles (0.0034%); highest among the groups gnomAD compares: East Asian, 0.021%; no homozygotes.

Submissions (7):

Labcorp Genetics (formerly Invitae), Labcorp
Classification: Likely benign for Catecholaminergic polymorphic ventricular tachycardia 1. Last evaluated: 2026-01-19. Review status: criteria provided, single submitter. Criteria: Invitae Variant Classification Sherloc (09022015). Collection method: clinical testing. Allele origin: germline.

Blueprint Genetics
Classification: Likely benign. Last evaluated: 2024-04-08. Review status: criteria provided, single submitter. Criteria: ACMG Guidelines, 2015. Collection method: clinical testing. Allele origin: germline.

Color Diagnostics, LLC DBA Color Health
Classification: Likely benign for Cardiomyopathy. Last evaluated: 2018-10-21. Review status: criteria provided, single submitter. Criteria: ACMG Guidelines, 2015. Collection method: clinical testing. Allele origin: germline.

Ambry Genetics
Classification: Likely benign for Cardiovascular phenotype. Last evaluated: 2017-05-23. Review status: criteria provided, single submitter. Criteria: Ambry Variant Classification Scheme 2023. Collection method: clinical testing. Allele origin: germline.

CHEO Genetics Diagnostic Laboratory, Children's Hospital of Eastern Ontario
Classification: Uncertain significance for Cardiomyopathy. Last evaluated: 2015-09-25. Review status: criteria provided, single submitter. Criteria: ACMG Guidelines, 2015. Collection method: clinical testing. Allele origin: germline. Study: Canadian Open Genetics Repository.

GeneDx
Classification: Benign. Last evaluated: 2015-03-03. Review status: criteria provided, single submitter. Criteria: GeneDx Variant Classification Process June 2021. Collection method: clinical testing. Allele origin: germline. Affected: yes.

Laboratory for Molecular Medicine, Mass General Brigham Personalized Medicine
Classification: Likely benign. Last evaluated: 2014-12-31. Review status: criteria provided, single submitter. Criteria: LMM Criteria. Collection method: clinical testing. Allele origin: germline. Observed: 1 variant allele.
Comment: p.Ala4442Ala in exon 91 of RYR2: This variant is not expected to have clinical s ignificance because it does not alter an amino acid residue. It is located with in the exonic part of the splice consensus but does not cause the splice site se quence to diverge from consensus.

NM_001035.3(RYR2):c.13326C>T (p.Ala4442=)

Gene: RYR2 (ryanodine receptor 2; plus strand). Cytogenetic location: 1q43.
Variant type: single nucleotide variant.
Coding change: c.13326C>T on transcript NM_001035.3 (MANE Select); coding-DNA position 13326, C replaced by T.
Protein change: p.Ala4442=; no amino-acid change (alanine 4442 retained).
Molecular consequence: synonymous variant.
Genome position (GRCh38, 1-based): chr1:237,786,034, C>T. VCF-style: chr1-237786034-C-T. GRCh37 (hg19) VCF-style: chr1-237949334-C-T.
Identifiers: ClinVar variation 227909 (VCV000227909.37), dbSNP rs768161152, ClinGen allele CA085335.
Genomic context (GRCh38, chr1:237,786,034, plus strand): 5'-GAAGGCAAAAGAAGAAGAAAAGGAAGAAAAAGAAGAAACCAAATCTGAACCTGAAAAAGC[C>T]GAGTATGTATAGTTTGCATATACTTTTCCTTCGTTTCAGTTTGTCATTACATCTCTTTTT-3'
Protein context (NP_001026.2, residues 4432-4452): KEETKSEPEK[Ala4442=]EGEDGEKEEK